The following is an entry in ClinVar:

NM_001278.5(CHUK):c.1497G>A (p.Thr499=)

Gene: CHUK (component of inhibitor of nuclear factor kappa B kinase complex; minus strand). Cytogenetic location: 10q24.31.
Variant type: single nucleotide variant.
Coding change: c.1497G>A on transcript NM_001278.5 (MANE Select); coding-DNA position 1497, G replaced by A.
Protein change: p.Thr499=; no amino-acid change (threonine 499 retained).
Molecular consequence: synonymous variant.
Genome position (GRCh38, 1-based): chr10:100,204,516, C>T on the plus strand (G>A on the coding strand, the complement: CHUK is on the minus strand). VCF-style: chr10-100204516-C-T. GRCh37 (hg19) VCF-style: chr10-101964273-C-T.
Other names: c.1497G>A, p.Thr499= (NM_001320928.2).
Identifiers: ClinVar variation 1601234 (VCV001601234.9), dbSNP rs144134728, ClinGen allele CA5646447.

ClinVar aggregate classification (germline): Benign/Likely benign. Review status: criteria provided, multiple submitters, no conflicts (2 of 4 stars). 2 submissions from 2 submitters: Benign (1); Likely benign (1). Last evaluated 2026-07-01.

Allele frequency attached by ClinVar (database versions not stated): gnomAD exomes 0.00023; ExAC 0.00029; ESP Exome Variant Server 0.00069; gnomAD 0.00084 and 0.00087; TOPMed 0.00095; 1000 Genomes Project 30x 0.00109; 1000 Genomes Project 0.00120.
gnomAD v4.1: 329 of 1,613,274 alleles (0.02%); highest among the groups gnomAD compares: African/African-American, 0.28%; 2 homozygotes.

Submissions (2):

CeGaT Center for Human Genetics Tuebingen
Classification: Likely benign. Last evaluated: 2026-07-01. Review status: criteria provided, single submitter. Criteria: CeGaT Center For Human Genetics Tuebingen Variant Classification Criteria Version 2. Collection method: clinical testing. Allele origin: germline. Affected: yes. Observed: 1 variant allele.
Comment: CHUK: BP4, BP7

Labcorp Genetics (formerly Invitae), Labcorp
Classification: Benign. Last evaluated: 2026-01-01. Review status: criteria provided, single submitter. Criteria: Invitae Variant Classification Sherloc (09022015). Collection method: clinical testing. Allele origin: germline.